The following is an entry in ClinVar:

NM_001042492.3(NF1):c.4936A>C (p.Thr1646Pro)

Gene: NF1 (neurofibromin 1; plus strand). Cytogenetic location: 17q11.2.
Variant type: single nucleotide variant.
Coding change: c.4936A>C on transcript NM_001042492.3 (MANE Select); coding-DNA position 4936, A replaced by C.
Protein change: p.Thr1646Pro; replaces threonine 1646 with proline.
Molecular consequence: missense variant.
Genome position (GRCh38, 1-based): chr17:31,325,920, A>C. VCF-style: chr17-31325920-A-C. GRCh37 (hg19) VCF-style: chr17-29652938-A-C.
Other names: c.4873A>C, p.Thr1625Pro (NM_000267.4); short protein forms T1625P, T1646P.
Identifiers: ClinVar variation 2972857 (VCV002972857.3), dbSNP rs2151537808, ClinGen allele CA399007145.

ClinVar aggregate classification (germline): Pathogenic (1 of 4 stars; one submission).

Conditions:
Neurofibromatosis, type 1 (NF1). Also called: Peripheral type neurofibromatosis; NEUROFIBROMATOSIS, TYPE I, SOMATIC; Neurofibromatosis, type I; VON RECKLINGHAUSEN DISEASE. Identifiers: Orphanet 636, MedGen C0027831, MONDO:0018975, OMIM 162200. Disease mechanism: loss of function.

Submission:

Labcorp Genetics (formerly Invitae), Labcorp
Classification: Pathogenic for Neurofibromatosis, type 1. Last evaluated: 2023-11-17. Review status: criteria provided, single submitter. Criteria: Invitae Variant Classification Sherloc (09022015). Collection method: clinical testing. Allele origin: germline.
Comment: This sequence change replaces threonine, which is neutral and polar, with proline, which is neutral and non-polar, at codon 1625 of the NF1 protein (p.Thr1625Pro). This variant is not present in population databases (gnomAD no frequency). This missense change has been observed in individuals with neurofibromatosis type I (PMID: 31347283; Invitae). It has also been observed to segregate with disease in related individuals. This variant is also known as c.4936A>C (p.Thr1646Pro). Advanced modeling of protein sequence and biophysical properties (such as structural, functional, and spatial information, amino acid conservation, physicochemical variation, residue mobility, and thermodynamic stability) performed at Invitae indicates that this missense variant is expected to disrupt NF1 protein function with a positive predictive value of 95%. For these reasons, this variant has been classified as Pathogenic.

Literature cited by the submitters: PubMed 31347283.